The following is an entry in ClinVar:

ClinVar aggregate classification (germline): Uncertain significance. Review status: criteria provided, multiple submitters, no conflicts (2 of 4 stars). 2 submissions from 2 submitters: Uncertain significance (2). Last evaluated 2025-11-25.

Conditions:
Inborn genetic diseases. Identifiers: MedGen C0950123, MeSH D030342.
Autosomal recessive limb-girdle muscular dystrophy type 2A (LGMDR1). Also called: MUSCULAR DYSTROPHY, PELVOFEMORAL; Muscular dystrophy, limb-girdle, type 2A, Amish; Limb-girdle muscular dystrophy, type 2A; LEYDEN-MOEBIUS MUSCULAR DYSTROPHY; Calpainopathy. Identifiers: Orphanet 267, MedGen C1869123, MONDO:0009675, OMIM 253600. Disease mechanism: loss of function.

gnomAD v4.1: 1 of 1,590,358 alleles (0.000063%); highest among the groups gnomAD compares: African/African-American, 0.0014%; no homozygotes.

Submissions (2):

Ambry Genetics
Classification: Uncertain significance for Inborn genetic diseases. Last evaluated: 2025-11-25. Review status: criteria provided, single submitter. Criteria: Ambry Variant Classification Scheme 2023. Collection method: clinical testing. Allele origin: germline.

Labcorp Genetics (formerly Invitae), Labcorp
Classification: Uncertain significance for Autosomal recessive limb-girdle muscular dystrophy type 2A. Last evaluated: 2024-11-11. Review status: criteria provided, single submitter. Criteria: Invitae Variant Classification Sherloc (09022015). Collection method: clinical testing. Allele origin: germline.
Comment: This sequence change replaces aspartic acid, which is acidic and polar, with tyrosine, which is neutral and polar, at codon 665 of the CAPN3 protein (p.Asp665Tyr). This variant is not present in population databases (gnomAD no frequency). This variant has not been reported in the literature in individuals affected with CAPN3-related conditions. An algorithm developed to predict the effect of missense changes on protein structure and function (PolyPhen-2) suggests that this variant is likely to be disruptive. In summary, the available evidence is currently insufficient to determine the role of this variant in disease. Therefore, it has been classified as a Variant of Uncertain Significance.

NM_000070.3(CAPN3):c.1993G>T (p.Asp665Tyr)

Gene: CAPN3 (calpain 3; plus strand). Cytogenetic location: 15q15.1.
Variant type: single nucleotide variant.
Coding change: c.1993G>T on transcript NM_000070.3 (MANE Select); coding-DNA position 1993, G replaced by T.
Protein change: p.Asp665Tyr; replaces aspartic acid 665 with tyrosine.
Molecular consequence: missense variant. On other transcripts: 5 prime UTR variant (2).
Genome position (GRCh38, 1-based): chr15:42,409,787, G>T. VCF-style: chr15-42409787-G-T. GRCh37 (hg19) VCF-style: chr15-42701985-G-T.
Other names: c.1993G>T (NM_000070.2); c.1975G>T, p.Asp659Tyr (NM_024344.2); c.1717G>T, p.Asp573Tyr (NM_173087.2); c.457G>T, p.Asp153Tyr (NM_173088.2); c.-3G>T (NM_173089.2, NM_173090.2); short protein forms D573Y, D659Y, D153Y, D665Y.
Identifiers: ClinVar variation 3714138 (VCV003714138.3).